The following is an entry in ClinVar:

ClinVar aggregate classification (germline): Uncertain significance. Review status: criteria provided, multiple submitters, no conflicts (2 of 4 stars). 2 submissions from 2 submitters: Uncertain significance (2). Last evaluated 2025-08-13.

Conditions:
Inborn genetic diseases. Identifiers: MedGen C0950123, MeSH D030342.
Propionic acidemia (PROP). Also called: GLYCINEMIA, KETOTIC; HYPERGLYCINEMIA WITH KETOACIDOSIS AND LEUKOPENIA; KETOTIC HYPERGLYCINEMIA. Identifiers: Orphanet 35, MedGen C0268579, MONDO:0011628, OMIM 606054, HP:0003571.

Allele frequency attached by ClinVar (database versions not stated): gnomAD exomes below 0.00001.
gnomAD v4.1: 1 of 1,613,138 alleles (0.000062%); highest among the groups gnomAD compares: Admixed American, 0.0017%; no homozygotes.

Submissions (2):

Ambry Genetics
Classification: Uncertain significance for Inborn genetic diseases. Last evaluated: 2025-08-13. Review status: criteria provided, single submitter. Criteria: Ambry Variant Classification Scheme 2023. Collection method: clinical testing. Allele origin: germline.

Labcorp Genetics (formerly Invitae), Labcorp
Classification: Uncertain significance for Propionic acidemia. Last evaluated: 2021-08-24. Review status: criteria provided, single submitter. Criteria: Invitae Variant Classification Sherloc (09022015). Collection method: clinical testing. Allele origin: germline.
Comment: This sequence change replaces aspartic acid with glutamic acid at codon 234 of the PCCA protein (p.Asp234Glu). The aspartic acid residue is moderately conserved and there is a small physicochemical difference between aspartic acid and glutamic acid. This variant is not present in population databases (ExAC no frequency). This variant has not been reported in the literature in individuals affected with PCCA-related conditions. Advanced modeling of protein sequence and biophysical properties (such as structural, functional, and spatial information, amino acid conservation, physicochemical variation, residue mobility, and thermodynamic stability) performed at Invitae indicates that this missense variant is not expected to disrupt PCCA protein function. Algorithms developed to predict the effect of sequence changes on RNA splicing suggest that this variant may create or strengthen a splice site. In summary, the available evidence is currently insufficient to determine the role of this variant in disease. Therefore, it has been classified as a Variant of Uncertain Significance.

NM_000282.4(PCCA):c.702T>A (p.Asp234Glu)

Gene: PCCA (propionyl-CoA carboxylase subunit alpha; plus strand). Cytogenetic location: 13q32.3.
Variant type: single nucleotide variant.
Coding change: c.702T>A on transcript NM_000282.4 (MANE Select); coding-DNA position 702, T replaced by A.
Protein change: p.Asp234Glu; replaces aspartic acid 234 with glutamic acid.
Molecular consequence: missense variant. On other transcripts: non-coding transcript variant (5), intron variant (3).
Genome position (GRCh38, 1-based): chr13:100,257,659, T>A. VCF-style: chr13-100257659-T-A. GRCh37 (hg19) VCF-style: chr13-100909913-T-A.
Other names: c.702T>A (NM_000282.3); c.624T>A, p.Asp208Glu (NM_001127692.3, NM_001352607.2, NM_001352608.2); c.702T>A, p.Asp234Glu (NM_001178004.2, NM_001352605.2, NM_001352606.2 and 1 more transcripts); c.-229-5070T>A (NM_001352610.2, NM_001352611.2, NM_001352612.2); short protein forms D208E, D234E.
Identifiers: ClinVar variation 1942886 (VCV001942886.3), dbSNP rs1275216618, ClinGen allele CA388694163.